The following is an entry in ClinVar:

NM_002430.3(MN1):c.2347G>A (p.Gly783Ser)

Gene: MN1 (MN1 proto-oncogene, transcriptional regulator; minus strand). Cytogenetic location: 22q12.1.
Variant type: single nucleotide variant.
Coding change: c.2347G>A on transcript NM_002430.3 (MANE Select); coding-DNA position 2347, G replaced by A.
Protein change: p.Gly783Ser; replaces glycine 783 with serine.
Molecular consequence: missense variant.
Genome position (GRCh38, 1-based): chr22:27,798,197, C>T on the plus strand (G>A on the coding strand, the complement: MN1 is on the minus strand). VCF-style: chr22-27798197-C-T. GRCh37 (hg19) VCF-style: chr22-28194185-C-T.
Other names: short protein forms G783S.
Identifiers: ClinVar variation 3369559 (VCV003369559.2).

ClinVar aggregate classification (germline): Uncertain significance (1 of 4 stars; one submission).

Submission:

GeneDx
Classification: Uncertain significance. Last evaluated: 2025-07-29. Review status: criteria provided, single submitter. Criteria: GeneDx Variant Classification Process June 2021. Collection method: clinical testing. Allele origin: germline.
Comment: Not observed at significant frequency in large population cohorts (gnomAD); In silico analysis suggests that this missense variant does not alter protein structure/function; Has not been previously published as pathogenic or benign to our knowledge